The following is an entry in ClinVar:

NM_004544.4(NDUFA10):c.*2602C>T

Gene: NDUFA10 (NADH:ubiquinone oxidoreductase subunit A10; minus strand). Cytogenetic location: 2q37.3.
Variant type: single nucleotide variant.
Coding change: c.*2602C>T on transcript NM_004544.4 (MANE Select); 2602 bases downstream of the stop codon, C replaced by T.
Molecular consequence: 3 prime UTR variant. On other transcripts: non-coding transcript variant (3).
Genome position (GRCh38, 1-based): chr2:239,958,516, G>A on the plus strand (C>T on the coding strand, the complement: NDUFA10 is on the minus strand). VCF-style: chr2-239958516-G-A. GRCh37 (hg19) VCF-style: chr2-240897933-G-A.
Other names: c.*2607C>T (NM_001322020.2).
Identifiers: ClinVar variation 335165 (VCV000335165.6), dbSNP rs58261980, ClinGen allele CA10614926.
Genomic context (GRCh38, chr2:239,958,516, plus strand): 5'-AATTCAATTGAAGCGGCGTAACTGAAGGTCCCTGGGTCCACCTGTGGCCTGGAGGCGGCC[G>A]CCTGTTTCCCTGCTGTTCTTGCCACAACACCTAGGCAGAACATGGAGGTTCCACAGCTGC-3'

ClinVar aggregate classification (germline): Benign. Review status: criteria provided, multiple submitters, no conflicts (2 of 4 stars). 3 submissions from 2 submitters: Benign (3). Last evaluated 2018-01-13.

Conditions:
Leigh syndrome (NULS). Also called: Leigh's syndrome; Leigh Syndrome (mtDNA deletion); Leigh Disease; Leigh's necrotizing encephalopathy; Leigh's disease; Subacute necrotizing encephalopathy. Identifiers: Orphanet 506, MedGen C2931891, MONDO:0009723, OMIM 256000.
Mitochondrial complex I deficiency, nuclear type 1. Also called: NADH-COENZYME Q REDUCTASE DEFICIENCY; MITOCHONDRIAL NADH DEHYDROGENASE COMPONENT OF COMPLEX I, DEFICIENCY OF. Identifiers: MedGen C6022305, MONDO:0100224, OMIM 252010.

Allele frequency attached by ClinVar (database versions not stated): gnomAD 0.10946 and 0.11294; TOPMed 0.11480; 1000 Genomes Project 30x 0.13882; 1000 Genomes Project 0.14377.
gnomAD v4.1: 17,225 of 152,222 alleles (11%); highest among the groups gnomAD compares: East Asian, 25%; 1,103 homozygotes.

Submissions (3):

Illumina Laboratory Services, Illumina
Classification: Benign for Leigh syndrome. Last evaluated: 2018-01-13. Review status: criteria provided, single submitter. Criteria: ICSL Variant Classification Criteria 13 December 2019. Collection method: clinical testing. Allele origin: germline.
Comment: This variant was observed in the ICSL laboratory as part of a predisposition screen in an ostensibly healthy population. It had not been previously curated by ICSL or reported in the Human Gene Mutation Database (HGMD: prior to June 1st, 2018), and was therefore a candidate for classification through an automated scoring system. Utilizing variant allele frequency, disease prevalence and penetrance estimates, and inheritance mode, an automated score was calculated to assess if this variant is too frequent to cause the disease. Based on the score and internal cut-off values, a variant classified as benign is not then subjected to further curation. The score for this variant resulted in a classification of benign for this disease.

Illumina Laboratory Services, Illumina
Classification: Benign for Mitochondrial complex I deficiency, nuclear type 1. Last evaluated: 2018-01-13. Review status: criteria provided, single submitter. Criteria: ICSL Variant Classification Criteria 13 December 2019. Collection method: clinical testing. Allele origin: germline.
Comment: the same text as in the submission from Illumina Laboratory Services, Illumina above.

Breakthrough Genomics
Classification: Benign. Review status: criteria provided, single submitter. Criteria: ACMG Guidelines, 2015. Collection method: not provided. Allele origin: germline. Inheritance: Autosomal recessive inheritance. Affected: yes.